The following is an entry in ClinVar:

NM_000038.6(APC):c.5507del (p.Gly1836fs)

Gene: APC (APC regulator of Wnt signaling pathway; plus strand). Cytogenetic location: 5q22.2.
Variant type: Deletion.
Coding change: c.5507del on transcript NM_000038.6 (MANE Select); coding-DNA position 5507, one base deleted (G; older notation c.5507delG).
Protein change: p.Gly1836fs; shifts the reading frame from glycine 1836.
Molecular consequence: frameshift variant.
Genome position (GRCh38, 1-based): chr5:112,841,101, G deleted; the last of 2 consecutive G bases (chr5:112,841,100-112,841,101); deleting either gives the same sequence. VCF-style (leftmost placement, unchanged base first): chr5-112841099-AG-A. GRCh37 (hg19) VCF-style: chr5-112176796-AG-A.
Other names: c.5507del, p.Gly1836fs (NM_001127510.3, NM_001354895.2); c.5453del, p.Gly1818fs (NM_001127511.3); c.5561del, p.Gly1854fs (NM_001354896.2); c.5537del, p.Gly1846fs (NM_001354897.2); c.5432del, p.Gly1811fs (NM_001354898.2); c.5423del, p.Gly1808fs (NM_001354899.2); c.5384del, p.Gly1795fs (NM_001354900.2); c.5330del, p.Gly1777fs (NM_001354901.2); and 6 more; short protein forms G1553fs, G1735fs, G1745fs, G1811fs, G1846fs, G1676fs, G1777fs, G1836fs.
Identifiers: ClinVar variation 579870 (VCV000579870.11), dbSNP rs1561600715, ClinGen allele CA891843026.

ClinVar aggregate classification (germline): Pathogenic/Likely pathogenic. Review status: criteria provided, multiple submitters, no conflicts (2 of 4 stars). 3 submissions from 3 submitters: Pathogenic (2); Likely pathogenic (1). Last evaluated 2023-05-12.

Conditions:
Hereditary cancer-predisposing syndrome. Also called: Neoplastic Syndromes, Hereditary; Tumor predisposition; Hereditary neoplastic syndrome; Hereditary Cancer Syndrome. Identifiers: Orphanet 140162, MedGen C0027672, MeSH D009386, MONDO:0015356.
Familial adenomatous polyposis 1 (FAP1). Also called: FAMILIAL ADENOMATOUS POLYPOSIS 1, ATTENUATED; POLYPOSIS, ADENOMATOUS INTESTINAL. Identifiers: MedGen C2713442, MONDO:0021056, OMIM 175100. Disease mechanism: loss of function.

Submissions (3):

Myriad Genetics, Inc.
Classification: Pathogenic for Familial adenomatous polyposis 1. Last evaluated: 2023-05-12. Review status: criteria provided, single submitter. Criteria: Myriad Autosomal Dominant, Autosomal Recessive and X-Linked Classification Criteria (2023). Collection method: clinical testing. Allele origin: unknown.
Comment: This variant is considered pathogenic. This variant creates a frameshift predicted to result in premature protein truncation.

Labcorp Genetics (formerly Invitae), Labcorp
Classification: Pathogenic for Familial adenomatous polyposis 1. Last evaluated: 2021-10-07. Review status: criteria provided, single submitter. Criteria: Invitae Variant Classification Sherloc (09022015). Collection method: clinical testing. Allele origin: germline.
Comment: This sequence change creates a premature translational stop signal (p.Gly1836Glufs*27) in the APC gene. While this is not anticipated to result in nonsense mediated decay, it is expected to disrupt the last 1008 amino acid(s) of the APC protein. ClinVar contains an entry for this variant (Variation ID: 579870). This variant has not been reported in the literature in individuals affected with APC-related conditions. This variant is not present in population databases (ExAC no frequency). This variant is expected to disrupt the EB1 and HDLG binding sites, which mediate interactions with the cytoskeleton (PMID: 15311282, 17293347). While functional studies have not been performed to directly test the effect on APC protein function, this suggests that disruption of the C-terminal portion of the protein is functionally important. For these reasons, this variant has been classified as Pathogenic. A different truncation (p.Tyr2645Lysfs*14) that lies downstream of this variant has been determined to be pathogenic (PMID: 9824584, 1316610, 27081525, 8381579, 22135120, Invitae). This suggests that deletion of this region of the APC protein is causative of disease.

Color Diagnostics, LLC DBA Color Health
Classification: Likely pathogenic for Hereditary cancer-predisposing syndrome. Last evaluated: 2021-04-02. Review status: criteria provided, single submitter. Criteria: ACMG Guidelines, 2015. Collection method: clinical testing. Allele origin: germline.
Comment: This variant deletes 1 nucleotide in exon 16 of the APC gene, creating a frameshift and premature translation stop signal. This variant is expected to result in an absent or non-functional protein product. To our knowledge, this variant has not been reported in individuals affected with hereditary cancer in the literature. This variant has not been identified in the general population by the Genome Aggregation Database (gnomAD). Loss of APC function is a known mechanism of disease. Based on the available evidence, this variant is classified as Likely Pathogenic.

Literature cited by the submitters: PubMed 15311282 (cited by Labcorp Genetics (formerly Invitae), Labcorp); PubMed 17293347 (cited by Labcorp Genetics (formerly Invitae), Labcorp); PubMed 9824584 (cited by Labcorp Genetics (formerly Invitae), Labcorp); PubMed 1316610 (cited by Labcorp Genetics (formerly Invitae), Labcorp); PubMed 27081525 (cited by Labcorp Genetics (formerly Invitae), Labcorp); PubMed 8381579 (cited by Labcorp Genetics (formerly Invitae), Labcorp); PubMed 22135120 (cited by Labcorp Genetics (formerly Invitae), Labcorp).